The following is an entry in ClinVar:

ClinVar aggregate classification (germline): Likely benign. Review status: criteria provided, single submitter (1 of 4 stars). 2 submissions from 2 submitters: Likely benign (1). 1 of the submissions does not count toward it. Last evaluated 2024-02-23.

Conditions:
IGSF1-related disorder. Also called: IGSF1-related condition.

Allele frequency attached by ClinVar (database versions not stated): TOPMed 0.00003; ExAC 0.00005; gnomAD 0.00005; ESP Exome Variant Server 0.00009.

Submissions (2):

Blueprint Genetics
Classification: Likely benign. Last evaluated: 2024-02-23. Review status: criteria provided, single submitter. Criteria: ACMG Guidelines, 2015. Collection method: clinical testing. Allele origin: germline.

PreventionGenetics, part of Exact Sciences
Classification: Likely benign for IGSF1-related condition. Last evaluated: 2019-04-11. Review status: no assertion criteria provided. Collection method: clinical testing. Allele origin: germline. Not counted in ClinVar's aggregate classification.
Comment: This variant is classified as likely benign based on ACMG/AMP sequence variant interpretation guidelines (Richards et al. 2015 PMID: 25741868, with internal and published modifications).

NM_001555.5(IGSF1):c.2896+10G>A

Gene: IGSF1 (immunoglobulin superfamily member 1; minus strand). Cytogenetic location: Xq26.1.
Variant type: single nucleotide variant.
Coding change: c.2896+10G>A on transcript NM_001555.5 (MANE Select); 10 bases into the intron after coding-DNA position 2896, G replaced by A.
Molecular consequence: intron variant.
Genome position (GRCh38, 1-based): chrX:131,275,951, C>T on the plus strand (G>A on the coding strand, the complement: IGSF1 is on the minus strand). VCF-style: chrX-131275951-C-T. GRCh37 (hg19) VCF-style: chrX-130409925-C-T.
Other names: c.2869+10G>A (NM_001170962.2); c.2911+10G>A (NM_001170961.2).
Identifiers: ClinVar variation 3047463 (VCV003047463.3), dbSNP rs374075974, ClinGen allele CA10517736.